The following is an entry in ClinVar:

ClinVar aggregate classification (germline): Uncertain significance. Review status: criteria provided, multiple submitters, no conflicts (2 of 4 stars). 2 submissions from 2 submitters: Uncertain significance (2). Last evaluated 2025-09-07.

Conditions:
Inborn genetic diseases. Identifiers: MedGen C0950123, MeSH D030342.
Monocytopenia with susceptibility to infections. Also called: IMMUNODEFICIENCY 21; MONOCYTOPENIA AND MYCOBACTERIAL INFECTION SYNDROME; MONOCYTOPENIA WITH SUSCEPTIBILITY TO MYCOBACTERIAL, FUNGAL, AND PAPILLOMAVIRUS INFECTIONS AND MYELODYSPLASIA; COMBINED IMMUNODEFICIENCY WITH SUSCEPTIBILITY TO MYCOBACTERIAL, VIRAL, AND FUNGAL INFECTIONS; Dendritic cell, monocyte, B lymphocyte, and natural killer lymphocyte deficiency; GATA2 DEFICIENCY. Identifiers: Orphanet 228423, MedGen C3280030, MONDO:0013607, OMIM 614172.
Deafness-lymphedema-leukemia syndrome. Also called: Lymphedema, primary, with myelodysplasia; Emberger syndrome. Identifiers: Orphanet 3226, MedGen C3279664, MONDO:0013540, OMIM 614038.

Allele frequency attached by ClinVar (database versions not stated): gnomAD exomes 0.00001.
gnomAD v4.1: 3 of 1,612,760 alleles (0.00019%); highest among the groups gnomAD compares: South Asian, 0.0011%; no homozygotes.

Submissions (2):

Ambry Genetics
Classification: Uncertain significance for Inborn genetic diseases. Last evaluated: 2025-09-07. Review status: criteria provided, single submitter. Criteria: Ambry Variant Classification Scheme 2023. Collection method: clinical testing. Allele origin: germline.
Comment: The p.G28S variant (also known as c.82G>A), located in coding exon 1 of the GATA2 gene, results from a G to A substitution at nucleotide position 82. The glycine at codon 28 is replaced by serine, an amino acid with similar properties. This amino acid position is conserved. In addition, the in silico prediction for this alteration is inconclusive. Based on the available evidence, the clinical significance of this variant remains unclear.

Labcorp Genetics (formerly Invitae), Labcorp
Classification: Uncertain significance for Monocytopenia with susceptibility to infections; Deafness-lymphedema-leukemia syndrome. Last evaluated: 2021-12-30. Review status: criteria provided, single submitter. Criteria: Invitae Variant Classification Sherloc (09022015). Collection method: clinical testing. Allele origin: germline.
Comment: This variant is not present in population databases (gnomAD no frequency). This variant has not been reported in the literature in individuals affected with GATA2-related conditions. Advanced modeling of protein sequence and biophysical properties (such as structural, functional, and spatial information, amino acid conservation, physicochemical variation, residue mobility, and thermodynamic stability) performed at Invitae indicates that this missense variant is not expected to disrupt GATA2 protein function. In summary, the available evidence is currently insufficient to determine the role of this variant in disease. Therefore, it has been classified as a Variant of Uncertain Significance. This sequence change replaces glycine, which is neutral and non-polar, with serine, which is neutral and polar, at codon 28 of the GATA2 protein (p.Gly28Ser).

NM_032638.5(GATA2):c.82G>A (p.Gly28Ser)

Gene: GATA2 (GATA binding protein 2; minus strand). Cytogenetic location: 3q21.3.
Variant type: single nucleotide variant.
Coding change: c.82G>A on transcript NM_032638.5 (MANE Select); coding-DNA position 82, G replaced by A.
Protein change: p.Gly28Ser; replaces glycine 28 with serine.
Molecular consequence: missense variant.
Genome position (GRCh38, 1-based): chr3:128,486,950, C>T on the plus strand (G>A on the coding strand, the complement: GATA2 is on the minus strand). VCF-style: chr3-128486950-C-T. GRCh37 (hg19) VCF-style: chr3-128205793-C-T.
Other names: c.82G>A, p.Gly28Ser (NM_001145661.2, NM_001145662.1); short protein forms G28S.
Identifiers: ClinVar variation 2049823 (VCV002049823.5), dbSNP rs2472934843, ClinGen allele CA354408993.